The following is an entry in ClinVar:

ClinVar aggregate classification (germline): Conflicting classifications of pathogenicity. Review status: criteria provided, conflicting classifications (1 of 4 stars). 5 submissions from 5 submitters: Uncertain significance (3); Likely benign (2). Last evaluated 2025-10-12.

Conditions:
Colorectal cancer, susceptibility to, 1. Also called: COLORECTAL ADENOMA AND CANCER, SUSCEPTIBILITY TO; COLORECTAL CANCER, SUSCEPTIBILITY TO, ON CHROMOSOME 9. Identifiers: MedGen C1837315, MONDO:0012132, OMIM 608812.

Allele frequency attached by ClinVar (database versions not stated): ExAC 0.00003; gnomAD exomes 0.00005; gnomAD 0.00026 and 0.00022; TOPMed 0.00018; ESP Exome Variant Server 0.00031.
gnomAD v4.1: 70 of 1,614,102 alleles (0.0043%); highest among the groups gnomAD compares: African/African-American, 0.084%; no homozygotes.

Submissions (5):

Labcorp Genetics (formerly Invitae), Labcorp
Classification: Uncertain significance. Last evaluated: 2025-10-12. Review status: criteria provided, single submitter. Criteria: Invitae Variant Classification Sherloc (09022015). Collection method: clinical testing. Allele origin: germline.
Comment: This sequence change replaces valine, which is neutral and non-polar, with alanine, which is neutral and non-polar, at codon 259 of the GALNT12 protein (p.Val259Ala). This variant is present in population databases (rs147356342, gnomAD 0.06%), and has an allele count higher than expected for a pathogenic variant. This variant has not been reported in the literature in individuals affected with GALNT12-related conditions. ClinVar contains an entry for this variant (Variation ID: 220637). Invitae Evidence Modeling of protein sequence and biophysical properties (such as structural, functional, and spatial information, amino acid conservation, physicochemical variation, residue mobility, and thermodynamic stability) indicates that this missense variant is not expected to disrupt GALNT12 protein function with a negative predictive value of 80%. In summary, the available evidence is currently insufficient to determine the role of this variant in disease. Therefore, it has been classified as a Variant of Uncertain Significance.

Quest Diagnostics Nichols Institute San Juan Capistrano
Classification: Likely benign. Last evaluated: 2025-06-03. Review status: criteria provided, single submitter. Criteria: Quest Diagnostics criteria. Collection method: clinical testing. Allele origin: unknown.

Fulgent Genetics
Classification: Uncertain significance for Colorectal cancer, susceptibility to, 1. Last evaluated: 2024-05-17. Review status: criteria provided, single submitter. Criteria: ACMG Guidelines, 2015. Collection method: clinical testing. Allele origin: germline.

Baylor Genetics
Classification: Uncertain significance for Colorectal cancer, susceptibility to, 1. Last evaluated: 2024-03-11. Review status: criteria provided, single submitter. Criteria: ACMG Guidelines, 2015. Collection method: clinical testing. Allele origin: unknown.

Ambry Genetics
Classification: Likely benign. Last evaluated: 2022-12-21. Review status: criteria provided, single submitter. Criteria: Ambry Variant Classification Scheme 2023. Collection method: clinical testing. Allele origin: germline.

NM_024642.5(GALNT12):c.776T>C (p.Val259Ala)

Gene: GALNT12 (polypeptide N-acetylgalactosaminyltransferase 12; plus strand). Cytogenetic location: 9q22.33.
Variant type: single nucleotide variant.
Coding change: c.776T>C on transcript NM_024642.5 (MANE Select); coding-DNA position 776, T replaced by C.
Protein change: p.Val259Ala; replaces valine 259 with alanine.
Molecular consequence: missense variant.
Genome position (GRCh38, 1-based): chr9:98,831,816, T>C. VCF-style: chr9-98831816-T-C. GRCh37 (hg19) VCF-style: chr9-101594098-T-C.
Other names: short protein forms V259A.
Identifiers: ClinVar variation 220637 (VCV000220637.19), dbSNP rs147356342, ClinGen allele CA350390.